The following is an entry in ClinVar:

NM_003673.4(TCAP):c.19A>G (p.Ser7Gly)

Gene: TCAP (titin-cap; plus strand). Cytogenetic location: 17q12.
Variant type: single nucleotide variant.
Coding change: c.19A>G on transcript NM_003673.4 (MANE Select); coding-DNA position 19, A replaced by G.
Protein change: p.Ser7Gly; replaces serine 7 with glycine.
Molecular consequence: missense variant.
Genome position (GRCh38, 1-based): chr17:39,665,378, A>G. VCF-style: chr17-39665378-A-G. GRCh37 (hg19) VCF-style: chr17-37821631-A-G.
Other names: short protein forms S7G.
Identifiers: ClinVar variation 2625120 (VCV002625120.2), dbSNP rs2543737622, ClinGen allele CA399302733.

ClinVar aggregate classification (germline): Uncertain significance (1 of 4 stars; one submission).

Conditions:
Cardiovascular phenotype. Identifiers: MedGen CN230736.

Allele frequency attached by ClinVar (database versions not stated): gnomAD exomes below 0.00001.

Submission:

Ambry Genetics
Classification: Uncertain significance for Cardiovascular phenotype. Last evaluated: 2023-07-21. Review status: criteria provided, single submitter. Criteria: Ambry Variant Classification Scheme 2023. Collection method: clinical testing. Allele origin: germline.
Comment: The p.S7G variant (also known as c.19A>G), located in coding exon 1 of the TCAP gene, results from an A to G substitution at nucleotide position 19. The serine at codon 7 is replaced by glycine, an amino acid with similar properties. This amino acid position is conserved. In addition, this alteration is predicted to be tolerated by in silico analysis. Since supporting evidence is limited at this time, the clinical significance of this alteration remains unclear.